The following is an entry in ClinVar:

ClinVar aggregate classification (germline): Uncertain significance (1 of 4 stars; one submission).

Conditions:
Chédiak-Higashi syndrome (CHS). Also called: Chediak-Higashi Syndrome. Identifiers: Orphanet 167, MedGen C0007965, MONDO:0008963, OMIM 214500.

gnomAD v4.1: 2 of 1,614,192 alleles (0.00012%); highest among the groups gnomAD compares: Non-Finnish European, 0.00017%; no homozygotes.

Submission:

Labcorp Genetics (formerly Invitae), Labcorp
Classification: Uncertain significance for Chédiak-Higashi syndrome. Last evaluated: 2022-10-04. Review status: criteria provided, single submitter. Criteria: Invitae Variant Classification Sherloc (09022015). Collection method: clinical testing. Allele origin: germline.
Comment: This sequence change replaces leucine, which is neutral and non-polar, with proline, which is neutral and non-polar, at codon 2246 of the LYST protein (p.Leu2246Pro). This variant is not present in population databases (gnomAD no frequency). This variant has not been reported in the literature in individuals affected with LYST-related conditions. Advanced modeling of protein sequence and biophysical properties (such as structural, functional, and spatial information, amino acid conservation, physicochemical variation, residue mobility, and thermodynamic stability) has been performed at Invitae for this missense variant, however the output from this modeling did not meet the statistical confidence thresholds required to predict the impact of this variant on LYST protein function. In summary, the available evidence is currently insufficient to determine the role of this variant in disease. Therefore, it has been classified as a Variant of Uncertain Significance.

NM_000081.4(LYST):c.6737T>C (p.Leu2246Pro)

Gene: LYST (lysosomal trafficking regulator; minus strand). Cytogenetic location: 1q42.3.
Variant type: single nucleotide variant.
Coding change: c.6737T>C on transcript NM_000081.4 (MANE Select); coding-DNA position 6737, T replaced by C.
Protein change: p.Leu2246Pro; replaces leucine 2246 with proline.
Molecular consequence: missense variant.
Genome position (GRCh38, 1-based): chr1:235,759,116, A>G on the plus strand (T>C on the coding strand, the complement: LYST is on the minus strand). VCF-style: chr1-235759116-A-G. GRCh37 (hg19) VCF-style: chr1-235922416-A-G.
Other names: c.6737T>C, p.Leu2246Pro (NM_001301365.1); short protein forms L2246P.
Identifiers: ClinVar variation 2014739 (VCV002014739.1), dbSNP rs200231136, ClinGen allele CA344939618.